The following is an entry in ClinVar:

NM_024675.4(PALB2):c.1128T>G (p.Ser376Arg)

Gene: PALB2 (partner and localizer of BRCA2; minus strand). Cytogenetic location: 16p12.2.
Variant type: single nucleotide variant.
Coding change: c.1128T>G on transcript NM_024675.4 (MANE Select); coding-DNA position 1128, T replaced by G.
Protein change: p.Ser376Arg; replaces serine 376 with arginine.
Molecular consequence: missense variant.
Genome position (GRCh38, 1-based): chr16:23,635,418, A>C on the plus strand (T>G on the coding strand, the complement: PALB2 is on the minus strand). VCF-style: chr16-23635418-A-C. GRCh37 (hg19) VCF-style: chr16-23646739-A-C.
Other names: p.S376R:AGT>AGG; short protein forms S376R.
Identifiers: ClinVar variation 128116 (VCV000128116.26), dbSNP rs587780204, ClinGen allele CA288389.

ClinVar aggregate classification (germline): Uncertain significance. Review status: criteria provided, multiple submitters, no conflicts (2 of 4 stars). 8 submissions from 8 submitters: Uncertain significance (7). 1 of the submissions does not count toward it. Last evaluated 2025-09-14.

Conditions:
Familial cancer of breast. Also called: BREAST CANCER, FAMILIAL; Hereditary breast cancer; hereditary breast carcinoma. Identifiers: Orphanet 227535, MedGen C0346153, MONDO:0016419, OMIM 114480. Disease mechanism: loss of function.
Pancreatic cancer, susceptibility to, 3. Identifiers: Orphanet 1333, MedGen C3150547, MONDO:0013236, OMIM 613348.
Fanconi anemia complementation group N. Also called: PALB2-Related Fanconi Anemia. Identifiers: Orphanet 84, MedGen C1835817, MONDO:0012565, OMIM 610832. Disease mechanism: loss of function.
Hereditary cancer-predisposing syndrome. Also called: Tumor predisposition; Hereditary Cancer Syndrome; Neoplastic Syndromes, Hereditary; Hereditary neoplastic syndrome. Identifiers: Orphanet 140162, MedGen C0027672, MeSH D009386, MONDO:0015356.

Allele frequency attached by ClinVar (database versions not stated): gnomAD 0.00003.

Submissions (8):

Labcorp Genetics (formerly Invitae), Labcorp
Classification: Uncertain significance for Familial cancer of breast. Last evaluated: 2025-09-14. Review status: criteria provided, single submitter. Criteria: Invitae Variant Classification Sherloc (09022015). Collection method: clinical testing. Allele origin: germline.
Comment: This sequence change replaces serine, which is neutral and polar, with arginine, which is basic and polar, at codon 376 of the PALB2 protein (p.Ser376Arg). This variant is present in population databases (rs587780204, gnomAD 0.007%). This variant has not been reported in the literature in individuals affected with PALB2-related conditions. ClinVar contains an entry for this variant (Variation ID: 128116). Invitae Evidence Modeling of protein sequence and biophysical properties (such as structural, functional, and spatial information, amino acid conservation, physicochemical variation, residue mobility, and thermodynamic stability) indicates that this missense variant is not expected to disrupt PALB2 protein function with a negative predictive value of 80%. In summary, the available evidence is currently insufficient to determine the role of this variant in disease. Therefore, it has been classified as a Variant of Uncertain Significance.

Ambry Genetics
Classification: Uncertain significance for Hereditary cancer-predisposing syndrome. Last evaluated: 2024-05-28. Review status: criteria provided, single submitter. Criteria: Ambry Variant Classification Scheme 2023. Collection method: clinical testing. Allele origin: germline.
Comment: The p.S376R variant (also known as c.1128T>G), located in coding exon 4 of the PALB2 gene, results from a T to G substitution at nucleotide position 1128. The serine at codon 376 is replaced by arginine, an amino acid with dissimilar properties. This alteration was detected in 2/5589 German BRCA1/2-negative probands with breast cancer (Hauke J et al. Cancer Med, 2018 04;7:1349-1358). This amino acid position is not well conserved in available vertebrate species. In addition, this alteration is predicted to be tolerated by in silico analysis. Since supporting evidence is limited at this time, the clinical significance of this alteration remains unclear.

Baylor Genetics
Classification: Uncertain significance for Familial cancer of breast. Last evaluated: 2023-10-27. Review status: criteria provided, single submitter. Criteria: ACMG Guidelines, 2015. Collection method: clinical testing. Allele origin: unknown.

Myriad Genetics, Inc.
Classification: Uncertain significance for Familial cancer of breast. Last evaluated: 2023-03-31. Review status: criteria provided, single submitter. Criteria: Myriad Autosomal Dominant, Autosomal Recessive and X-Linked Classification Criteria (2023). Collection method: clinical testing. Allele origin: unknown.
Comment: This variant is classified as a variant of uncertain significance as there is insufficient evidence to determine its impact on protein function and/or cancer risk.

Fulgent Genetics
Classification: Uncertain significance for Familial cancer of breast; Fanconi anemia complementation group N; Pancreatic cancer, susceptibility to, 3. Last evaluated: 2021-09-07. Review status: criteria provided, single submitter. Criteria: ACMG Guidelines, 2015. Collection method: clinical testing. Allele origin: unknown.

Color Diagnostics, LLC DBA Color Health
Classification: Uncertain significance for Hereditary cancer-predisposing syndrome. Last evaluated: 2020-06-22. Review status: criteria provided, single submitter. Criteria: ACMG Guidelines, 2015. Collection method: clinical testing. Allele origin: germline.
Comment: This missense variant replaces serine with arginine at codon 376 of the PALB2 protein. Computational prediction suggests that this variant may not impact protein structure and function (internally defined REVEL score threshold <= 0.5, PMID: 27666373). To our knowledge, functional studies have not been reported for this variant. This variant has not been reported in individuals affected with hereditary cancer in the literature. This variant has been identified in 1/31402 chromosomes in the general population by the Genome Aggregation Database (gnomAD). The available evidence is insufficient to determine the role of this variant in disease conclusively. Therefore, this variant is classified as a Variant of Uncertain Significance.

GeneDx
Classification: Uncertain significance. Last evaluated: 2019-11-05. Review status: criteria provided, single submitter. Criteria: GeneDx Variant Classification Process June 2021. Collection method: clinical testing. Allele origin: germline. Affected: yes.
Comment: Not observed at a significant frequency in large population cohorts (Lek et al., 2016); In silico analysis, which includes protein predictors and evolutionary conservation, supports that this variant does not alter protein structure/function; Has not been previously published as pathogenic or benign to our knowledge

Counsyl
Classification: Uncertain significance for Familial cancer of breast. Last evaluated: 2016-09-29. Review status: no assertion criteria provided. Collection method: clinical testing. Allele origin: unknown. Not counted in ClinVar's aggregate classification.

Literature cited by the submitters: PubMed 29522266 (cited by Ambry Genetics).